The following is an entry in ClinVar:

ClinVar aggregate classification (germline): Likely pathogenic. Review status: criteria provided, single submitter (1 of 4 stars). 2 submissions from 2 submitters: Likely pathogenic (1). 1 of the submissions does not count toward it. Last evaluated 2019-09-25.

Conditions:
Leukodystrophy, hypomyelinating, 18. Identifiers: MedGen C5193078, MONDO:0032730, OMIM 618404.

Submissions (2):

SIB Swiss Institute of Bioinformatics
Classification: Likely pathogenic for Leukodystrophy, hypomyelinating, 18. Last evaluated: 2019-09-25. Review status: criteria provided, single submitter. Criteria: ACMG Guidelines, 2015. Collection method: curation. Allele origin: unknown.
Comment: This variant is interpreted as a Likely pathogenic for Leukodystrophy, hypomyelinating, 18, autosomal recessive. The following ACMG Tag(s) were applied: PM2, PP3, PS3.

OMIM
Classification: Pathogenic for LEUKODYSTROPHY, HYPOMYELINATING, 18. Last evaluated: 2019-04-30. Review status: no assertion criteria provided. Collection method: literature only. Allele origin: germline. Not counted in ClinVar's aggregate classification.

Literature cited by the submitters: PubMed 30620338 (cited by SIB Swiss Institute of Bioinformatics and OMIM).

NM_003676.4(DEGS1):c.839C>T (p.Ala280Val)

Gene: DEGS1 (delta 4-desaturase, sphingolipid 1; plus strand). Cytogenetic location: 1q42.11.
Variant type: single nucleotide variant.
Coding change: c.839C>T on transcript NM_003676.4 (MANE Select); coding-DNA position 839, C replaced by T.
Protein change: p.Ala280Val; replaces alanine 280 with valine.
Molecular consequence: missense variant. On other transcripts: 3 prime UTR variant (1).
Genome position (GRCh38, 1-based): chr1:224,192,345, C>T. VCF-style: chr1-224192345-C-T. GRCh37 (hg19) VCF-style: chr1-224380047-C-T.
Other names: c.*37C>T (NM_001321541.2); c.731C>T, p.Ala244Val (NM_001321542.2); short protein forms A280V, A244V.
Identifiers: ClinVar variation 626324 (VCV000626324.2), dbSNP rs1558211070, ClinGen allele CA344710668.